The following is an entry in ClinVar:

NM_014515.7(CNOT2):c.95G>A (p.Gly32Glu)

Gene: CNOT2 (CCR4-NOT transcription complex subunit 2; plus strand). Cytogenetic location: 12q15.
Variant type: single nucleotide variant.
Coding change: c.95G>A on transcript NM_014515.7 (MANE Select); coding-DNA position 95, G replaced by A.
Protein change: p.Gly32Glu; replaces glycine 32 with glutamic acid.
Molecular consequence: missense variant. On other transcripts: non-coding transcript variant (1).
Genome position (GRCh38, 1-based): chr12:70,310,941, G>A. VCF-style: chr12-70310941-G-A. GRCh37 (hg19) VCF-style: chr12-70704721-G-A.
Other names: c.95G>A, p.Gly32Glu (NM_001199302.2, NM_001199303.2); c.95G>A (NM_001199303.1); short protein forms G32E.
Identifiers: ClinVar variation 1298550 (VCV001298550.37), dbSNP rs768196233, ClinGen allele CA6682591.

ClinVar aggregate classification (germline): Likely benign. Review status: criteria provided, multiple submitters, no conflicts (2 of 4 stars). 2 submissions from 2 submitters: Likely benign (2). Last evaluated 2026-07-01.

Conditions:
Inborn genetic diseases. Identifiers: MedGen C0950123, MeSH D030342.

Allele frequency attached by ClinVar (database versions not stated): gnomAD exomes 0.00011 and 0.00010; TOPMed 0.00011; ExAC 0.00012; gnomAD 0.00012 and 0.00013.
gnomAD v4.1: 178 of 1,610,628 alleles (0.011%); highest among the groups gnomAD compares: Non-Finnish European, 0.014%; no homozygotes.

Submissions (2):

CeGaT Center for Human Genetics Tuebingen
Classification: Likely benign. Last evaluated: 2026-07-01. Review status: criteria provided, single submitter. Criteria: CeGaT Center For Human Genetics Tuebingen Variant Classification Criteria Version 2. Collection method: clinical testing. Allele origin: germline. Affected: yes. Observed: 3 variant alleles.
Comment: CNOT2: BS2

Ambry Genetics
Classification: Likely benign for Inborn genetic diseases. Last evaluated: 2022-06-24. Review status: criteria provided, single submitter. Criteria: Ambry Variant Classification Scheme 2023. Collection method: clinical testing. Allele origin: germline.